The following is an entry in ClinVar:

ClinVar aggregate classification (germline): Uncertain significance (1 of 4 stars; one submission).

Conditions:
Hereditary cancer-predisposing syndrome. Also called: Neoplastic Syndromes, Hereditary; Tumor predisposition; Hereditary Cancer Syndrome; Hereditary neoplastic syndrome. Identifiers: Orphanet 140162, MedGen C0027672, MeSH D009386, MONDO:0015356.

Submission:

Ambry Genetics
Classification: Uncertain significance for Hereditary cancer-predisposing syndrome. Last evaluated: 2026-02-10. Review status: criteria provided, single submitter. Criteria: Ambry Variant Classification Scheme 2023. Collection method: clinical testing. Allele origin: germline.
Comment: The c.1121_1123delTTCinsATA variant (also known as p.I374_L375delinsNI), located in coding exon 4 of the PALB2 gene, results from an in-frame deletion of TTC and insertion of ATA at nucleotide positions 1121 to 1123. This results in the substitution of isoleucine and leucine residues for asparagine and isoleucine residues at codons 374 and 375. This amino acid region is not well conserved in available vertebrate species. In addition, the in silico prediction for this variant is inconclusive (Choi Y et al. PLoS ONE. 2012; 7(10):e46688). Based on the available evidence, the clinical significance of this variant remains unclear.

NM_024675.4(PALB2):c.1121_1123delinsATA (p.Ile374_Leu375delinsAsnIle)

Gene: PALB2 (partner and localizer of BRCA2; minus strand). Cytogenetic location: 16p12.2.
Variant type: Indel.
Coding change: c.1121_1123delinsATA on transcript NM_024675.4 (MANE Select); coding-DNA positions 1121 to 1123, TTC replaced by ATA.
Protein change: p.Ile374_Leu375delinsAsnIle.
Molecular consequence: missense variant. On other transcripts: intron variant (3).
Genome position (GRCh38, 1-based): chr16:23,635,423-23,635,425, GAA replaced by TAT on the plus strand (TTC replaced by ATA on the coding strand, the reverse complement: PALB2 is on the minus strand). VCF-style: chr16-23635423-GAA-TAT. GRCh37 (hg19) VCF-style: chr16-23646744-GAA-TAT.
Other names: c.236_238delinsATA, p.Ile79_Leu80delinsAsnIle (NM_001407309.1, NM_001407310.1, NM_001407311.1 and 5 more transcripts); c.48+5685_48+5687delinsATA (NM_001407314.1); c.-104-4956_-104-4954delinsATA (NM_001407313.1, NM_001407312.1); c.1061_1063delinsATA, p.Ile354_Leu355delinsAsnIle (NM_001407296.1); c.1121_1123delinsATA, p.Ile374_Leu375delinsAsnIle (NM_001407297.1, NM_001407298.1, NM_001407299.1 and 3 more transcripts).
Identifiers: ClinVar variation 4825303 (VCV004825303.1).